The following is an entry in ClinVar:

ClinVar aggregate classification (germline): Uncertain significance (1 of 4 stars; one submission).

Conditions:
Hereditary spastic paraplegia 48. Also called: SPASTIC PARAPLEGIA 48, AUTOSOMAL RECESSIVE; Spastic paraplegia 48. Identifiers: Orphanet 306511, MedGen C3150901, MONDO:0013342, OMIM 613647.

Submission:

Labcorp Genetics (formerly Invitae), Labcorp
Classification: Uncertain significance for Hereditary spastic paraplegia 48. Last evaluated: 2018-11-06. Review status: criteria provided, single submitter. Criteria: Invitae Variant Classification Sherloc (09022015). Collection method: clinical testing. Allele origin: germline.
Comment: This variant has not been reported in the literature in individuals with AP5Z1-related disease. This variant is not present in population databases (ExAC no frequency). Algorithms developed to predict the effect of missense changes on protein structure and function are either unavailable or do not agree on the potential impact of this missense change (SIFT: "Deleterious"; PolyPhen-2: "Possibly Damaging"; Align-GVGD: "Class C0"). In summary, the available evidence is currently insufficient to determine the role of this variant in disease. Therefore, it has been classified as a Variant of Uncertain Significance. This sequence change replaces phenylalanine with leucine at codon 232 of the AP5Z1 protein (p.Phe232Leu). The phenylalanine residue is highly conserved and there is a small physicochemical difference between phenylalanine and leucine.

NM_014855.3(AP5Z1):c.696C>A (p.Phe232Leu)

Gene: AP5Z1 (adaptor related protein complex 5 subunit zeta 1; plus strand). Cytogenetic location: 7p22.1.
Variant type: single nucleotide variant.
Coding change: c.696C>A on transcript NM_014855.3 (MANE Select); coding-DNA position 696, C replaced by A.
Protein change: p.Phe232Leu; replaces phenylalanine 232 with leucine.
Molecular consequence: missense variant. On other transcripts: non-coding transcript variant (1).
Genome position (GRCh38, 1-based): chr7:4,784,277, C>A. VCF-style: chr7-4784277-C-A. GRCh37 (hg19) VCF-style: chr7-4823908-C-A.
Other names: c.696C>A, p.Phe232Leu (LRG_1247t1); c.228C>A, p.Phe76Leu (NM_001364858.1); short protein forms F76L, F232L.
Identifiers: ClinVar variation 661159 (VCV000661159.8), dbSNP rs1361563941, ClinGen allele CA366660337.